The following is an entry in ClinVar:

ClinVar aggregate classification (germline): Pathogenic (1 of 4 stars; one submission).

Conditions:
Hypertrophic cardiomyopathy 4. Also called: Familial hypertrophic cardiomyopathy 4. Identifiers: MedGen C1861862, MONDO:0007268, OMIM 115197.

Submission:

3billion
Classification: Pathogenic for Hypertrophic cardiomyopathy 4. Last evaluated: 2024-07-06. Review status: criteria provided, single submitter. Criteria: ACMG Guidelines, 2015. Collection method: clinical testing. Allele origin: germline. Affected: yes.
Comment: The variant is not observed in the gnomAD v4.0.0 dataset. Predicted Consequence/Location: Stop-gained (nonsense): predicted to result in a loss or disruption of normal protein function through nonsense-mediated decay (NMD) or protein truncation. Multiple pathogenic variants are reported downstream of the variant. The variant has been reported to be associated with MYBPC3-related disorder (ClinVar ID: VCV001705335 /PMID: 32380161 /3billion dataset). Therefore, this variant is classified as Pathogenic according to the recommendation of ACMG/AMP guideline.

Literature cited by the submitters: PubMed 32380161.

NM_000256.3(MYBPC3):c.3805G>T (p.Glu1269Ter)

Gene: MYBPC3 (myosin binding protein C3; minus strand). Cytogenetic location: 11p11.2.
Variant type: single nucleotide variant.
Coding change: c.3805G>T on transcript NM_000256.3 (MANE Select); coding-DNA position 3805, G replaced by T.
Protein change: p.Glu1269Ter; replaces glutamic acid 1269 with a stop codon.
Molecular consequence: nonsense.
Genome position (GRCh38, 1-based): chr11:47,332,081, C>A on the plus strand (G>T on the coding strand, the complement: MYBPC3 is on the minus strand). VCF-style: chr11-47332081-C-A. GRCh37 (hg19) VCF-style: chr11-47353632-C-A.
Other names: short protein forms E1269*.
Identifiers: ClinVar variation 1705335 (VCV001705335.4), dbSNP rs2495735937, ClinGen allele CA380310407.